The following is an entry in ClinVar:

NM_198253.3(TERT):c.46A>G (p.Ser16Gly)

Genes: TERT (telomerase reverse transcriptase; minus strand), LOC110806263 (TERT 5' regulatory region; plus strand). Cytogenetic location: 5p15.33.
Variant type: single nucleotide variant.
Coding change: c.46A>G on transcript NM_198253.3 (MANE Select); coding-DNA position 46, A replaced by G.
Protein change: p.Ser16Gly; replaces serine 16 with glycine.
Molecular consequence: missense variant. On other transcripts: non-coding transcript variant (2).
Genome position (GRCh38, 1-based): chr5:1,294,944, T>C on the plus strand (A>G on the coding strand, the complement: TERT is on the minus strand). VCF-style: chr5-1294944-T-C. GRCh37 (hg19) VCF-style: chr5-1295059-T-C.
Other names: c.46A>G, p.Ser16Gly (NM_001193376.3, NM_003219.1); short protein forms S16G.
Identifiers: ClinVar variation 1742528 (VCV001742528.2), dbSNP rs2126692725, ClinGen allele CA359059790.

ClinVar aggregate classification (germline): Uncertain significance (1 of 4 stars; one submission).

Conditions:
Dyskeratosis congenita. Identifiers: Orphanet 1775, MedGen C0265965, MONDO:0015780.

Submission:

Ambry Genetics
Classification: Uncertain significance for Dyskeratosis congenita. Last evaluated: 2022-09-24. Review status: criteria provided, single submitter. Criteria: Ambry Variant Classification Scheme 2023. Collection method: clinical testing. Allele origin: germline.
Comment: The p.S16G variant (also known as c.46A>G), located in coding exon 1 of the TERT gene, results from an A to G substitution at nucleotide position 46. The serine at codon 16 is replaced by glycine, an amino acid with similar properties. This amino acid position is conserved. In addition, this alteration is predicted to be tolerated by in silico analysis. Since supporting evidence is limited at this time, the clinical significance of this alteration remains unclear.